The following is an entry in ClinVar:

ClinVar aggregate classification (germline): Uncertain significance (1 of 4 stars; one submission).

Conditions:
Ullrich congenital muscular dystrophy 2 (UCMD2). Identifiers: Orphanet 75840, MedGen C4225314, MONDO:0014654, OMIM 616470.
Bethlem myopathy 2 (BTHLM2). Identifiers: Orphanet 536516, Orphanet 610, MedGen C4225313, MONDO:0034022, OMIM 616471.

Allele frequency attached by ClinVar (database versions not stated): gnomAD exomes below 0.00001; ExAC 0.00001.
gnomAD v4.1: 4 of 1,613,182 alleles (0.00025%); highest among the groups gnomAD compares: Non-Finnish European, 0.00034%; no homozygotes.

Submission:

Labcorp Genetics (formerly Invitae), Labcorp
Classification: Uncertain significance for Bethlem myopathy 2; Ullrich congenital muscular dystrophy 2. Last evaluated: 2025-11-17. Review status: criteria provided, single submitter. Criteria: Invitae Variant Classification Sherloc (09022015). Collection method: clinical testing. Allele origin: germline.
Comment: This sequence change replaces proline, which is neutral and non-polar, with histidine, which is basic and polar, at codon 1350 of the COL12A1 protein (p.Pro1350His). This variant is present in population databases (rs762304994, gnomAD 0.0009%). This variant has not been reported in the literature in individuals affected with COL12A1-related conditions. ClinVar contains an entry for this variant (Variation ID: 2192489). Invitae Evidence Modeling of protein sequence and biophysical properties (such as structural, functional, and spatial information, amino acid conservation, physicochemical variation, residue mobility, and thermodynamic stability) has been performed for this missense variant. However, the output from this modeling did not meet the statistical confidence thresholds required to predict the impact of this variant on COL12A1 protein function. In summary, the available evidence is currently insufficient to determine the role of this variant in disease. Therefore, it has been classified as a Variant of Uncertain Significance.

NM_004370.6(COL12A1):c.4049C>A (p.Pro1350His)

Gene: COL12A1 (collagen type XII alpha 1 chain; minus strand). Cytogenetic location: 6q13.
Variant type: single nucleotide variant.
Coding change: c.4049C>A on transcript NM_004370.6 (MANE Select); coding-DNA position 4049, C replaced by A.
Protein change: p.Pro1350His; replaces proline 1350 with histidine.
Molecular consequence: missense variant.
Genome position (GRCh38, 1-based): chr6:75,151,239, G>T on the plus strand (C>A on the coding strand, the complement: COL12A1 is on the minus strand). VCF-style: chr6-75151239-G-T. GRCh37 (hg19) VCF-style: chr6-75860955-G-T.
Other names: c.557C>A, p.Pro186His (NM_080645.3); short protein forms P1350H, P186H.
Identifiers: ClinVar variation 2192489 (VCV002192489.4), dbSNP rs762304994, ClinGen allele CA3893550.
Genomic context (GRCh38, chr6:75,151,239, plus strand): 5'-TCATCCACTATCCTGGAGAGTGACTCAAAATCTGCCACATTGTATGCATGGGTATCATCA[G>T]GATCAGTTGCAATCATCTTTAATTCGACTTCATCAGCATTTTTAATACCTTCAAAAACGG-3'
Protein context (NP_004361.3, residues 1340-1360): EVELKMIATD[Pro1350His]DDTHAYNVAD